The following is an entry in ClinVar:

ClinVar aggregate classification (germline): Conflicting classifications of pathogenicity. Review status: criteria provided, conflicting classifications (1 of 4 stars). 2 submissions from 2 submitters: Uncertain significance (1); Likely benign (1). Last evaluated 2024-09-30.

Conditions:
Early-infantile DEE. Also called: Early infantile epileptic encephalopathy with suppression bursts; Early infantile epileptic encephalopathy; Ohtahara syndrome. Identifiers: Orphanet 1934, MedGen C0393706, MONDO:0800491.

Allele frequency attached by ClinVar (database versions not stated): gnomAD exomes below 0.00001.
gnomAD v4.1: 6 of 1,613,526 alleles (0.00037%); highest among the groups gnomAD compares: Non-Finnish European, 0.00051%; no homozygotes.

Submissions (2):

Labcorp Genetics (formerly Invitae), Labcorp
Classification: Uncertain significance for Early-infantile DEE. Last evaluated: 2024-09-30. Review status: criteria provided, single submitter. Criteria: Invitae Variant Classification Sherloc (09022015). Collection method: clinical testing. Allele origin: germline.
Comment: This sequence change falls in intron 2 of the KCNQ2 gene. It does not directly change the encoded amino acid sequence of the KCNQ2 protein. It affects a nucleotide within the consensus splice site. This variant is not present in population databases (gnomAD no frequency). This variant has not been reported in the literature in individuals affected with KCNQ2-related conditions. ClinVar contains an entry for this variant (Variation ID: 509571). Variants that disrupt the consensus splice site are a relatively common cause of aberrant splicing (PMID: 17576681, 9536098). Algorithms developed to predict the effect of sequence changes on RNA splicing suggest that this variant is not likely to affect RNA splicing. In summary, the available evidence is currently insufficient to determine the role of this variant in disease. Therefore, it has been classified as a Variant of Uncertain Significance.

GeneDx
Classification: Likely benign. Last evaluated: 2017-05-17. Review status: criteria provided, single submitter. Criteria: GeneDx Variant Classification (06012015). Collection method: clinical testing. Allele origin: germline. Affected: yes.
Comment: This variant is considered likely benign or benign based on one or more of the following criteria: it is a conservative change, it occurs at a poorly conserved position in the protein, it is predicted to be benign by multiple in silico algorithms, and/or has population frequency not consistent with disease.

Literature cited by the submitters: PubMed 17576681 (cited by Labcorp Genetics (formerly Invitae), Labcorp); PubMed 9536098 (cited by Labcorp Genetics (formerly Invitae), Labcorp).

NM_172107.4(KCNQ2):c.388-3C>T

Gene: KCNQ2 (potassium voltage-gated channel subfamily Q member 2; minus strand). Cytogenetic location: 20q13.33.
Variant type: single nucleotide variant.
Coding change: c.388-3C>T on transcript NM_172107.4 (MANE Select); 3 bases into the intron before coding-DNA position 388, C replaced by T.
Molecular consequence: intron variant.
Genome position (GRCh38, 1-based): chr20:63,445,367, G>A on the plus strand (C>T on the coding strand, the complement: KCNQ2 is on the minus strand). VCF-style: chr20-63445367-G-A. GRCh37 (hg19) VCF-style: chr20-62076720-G-A.
Other names: c.388-3C>T (NM_004518.6, NM_172108.5, NM_172106.3 and 1 more transcripts).
Identifiers: ClinVar variation 509571 (VCV000509571.5), dbSNP rs1555874020, ClinGen allele CA658799392.